The following is an entry in ClinVar:

NM_007363.5(NONO):c.731A>T (p.Asn244Ile)

Gene: NONO (non-POU domain containing octamer binding; plus strand). Cytogenetic location: Xq13.1.
Variant type: single nucleotide variant.
Coding change: c.731A>T on transcript NM_007363.5 (MANE Select); coding-DNA position 731, A replaced by T.
Protein change: p.Asn244Ile; replaces asparagine 244 with isoleucine.
Molecular consequence: missense variant.
Genome position (GRCh38, 1-based): chrX:71,296,645, A>T. VCF-style: chrX-71296645-A-T. GRCh37 (hg19) VCF-style: chrX-70516495-A-T.
Other names: c.731A>T, p.Asn244Ile (NM_001145408.2, NM_001145409.2); c.464A>T, p.Asn155Ile (NM_001145410.2); short protein forms N155I, N244I.
Identifiers: ClinVar variation 3603238 (VCV003603238.1).

ClinVar aggregate classification (germline): Uncertain significance (1 of 4 stars; one submission).

Submission:

GeneDx
Classification: Uncertain significance. Last evaluated: 2024-08-05. Review status: criteria provided, single submitter. Criteria: GeneDx Variant Classification Process June 2021. Collection method: clinical testing. Allele origin: germline. Affected: yes.
Comment: Not observed at significant frequency in large population cohorts (gnomAD); In silico analysis supports that this missense variant has a deleterious effect on protein structure/function; Has not been previously published as pathogenic or benign to our knowledge